The following is an entry in ClinVar:

ClinVar aggregate classification (germline): Uncertain significance (1 of 4 stars; one submission).

Conditions:
Hereditary cancer-predisposing syndrome. Also called: Neoplastic Syndromes, Hereditary; Tumor predisposition; Hereditary neoplastic syndrome; Hereditary Cancer Syndrome. Identifiers: Orphanet 140162, MedGen C0027672, MeSH D009386, MONDO:0015356.

Submission:

Ambry Genetics
Classification: Uncertain significance for Hereditary cancer-predisposing syndrome. Last evaluated: 2025-05-14. Review status: criteria provided, single submitter. Criteria: Ambry Variant Classification Scheme 2023. Collection method: clinical testing. Allele origin: germline.
Comment: The c.3646-3_3646-2delCA intronic variant, located in intron 23 of the ALK gene, results from a deletion of two nucleotides within intron 23 of the ALK gene. These nucleotide positions are well conserved in available vertebrate species. In silico splice site analysis for this alteration is inconclusive. Based on the available evidence, the clinical significance of this variant remains unclear.

NM_004304.5(ALK):c.3646-3_3646-2del

Gene: ALK (ALK receptor tyrosine kinase; minus strand). Cytogenetic location: 2p23.2.
Variant type: Microsatellite.
Coding change: c.3646-3_3646-2del on transcript NM_004304.5 (MANE Select); 3 bases into the intron before coding-DNA position 3646 through the canonical splice acceptor site of the intron before coding-DNA position 3646, 2 bases deleted (CA; older notation c.3646-3_3646-2delCA).
Molecular consequence: splice acceptor variant.
Genome position (GRCh38, 1-based): chr2:29,214,083-29,214,084, TG deleted on the plus strand (CA on the coding strand, the reverse complement: ALK is on the minus strand); deleting any 2 consecutive bases within chr2:29,214,083-29,214,086 gives the same sequence; the c. name uses the placement nearest the transcript's 3' end. VCF-style (leftmost placement, unchanged base first): chr2-29214082-CTG-C. GRCh37 (hg19) VCF-style: chr2-29436948-CTG-C.
Other names: c.442-3_442-2del (NM_001353765.2).
Identifiers: ClinVar variation 4040145 (VCV004040145.1).